The following is an entry in ClinVar:

NM_007294.4(BRCA1):c.4610A>G (p.Gln1537Arg)

Gene: BRCA1 (BRCA1 DNA repair associated; minus strand). Cytogenetic location: 17q21.31.
Variant type: single nucleotide variant.
Coding change: c.4610A>G on transcript NM_007294.4 (MANE Select); coding-DNA position 4610, A replaced by G.
Protein change: p.Gln1537Arg; replaces glutamine 1537 with arginine.
Molecular consequence: missense variant. On other transcripts: non-coding transcript variant (1).
Genome position (GRCh38, 1-based): chr17:43,074,396, T>C on the plus strand (A>G on the coding strand, the complement: BRCA1 is on the minus strand). VCF-style: chr17-43074396-T-C. GRCh37 (hg19) VCF-style: chr17-41226413-T-C.
Other names: c.4607A>G, p.Gln1536Arg (NM_001407623.1, NM_001407624.1, NM_001407626.1 and 17 more transcripts); c.4604A>G, p.Gln1535Arg (NM_001407627.1, NM_001407628.1, NM_001407629.1 and 14 more transcripts); c.4340A>G, p.Gln1447Arg (NM_001407935.1, NM_001407936.1, NM_001407934.1); c.4487A>G, p.Gln1496Arg (NM_001407937.1, NM_001407938.1, NM_001407664.1 and 6 more transcripts); c.4484A>G, p.Gln1495Arg (NM_001407939.1, NM_001407940.1, NM_001407670.1 and 11 more transcripts); c.4481A>G, p.Gln1494Arg (NM_001407941.1, NM_001407681.1, NM_001407682.1 and 6 more transcripts); c.4469A>G, p.Gln1490Arg (NM_001407942.1, NM_007297.4, NM_001407692.1 and 13 more transcripts); c.4466A>G, p.Gln1489Arg (NM_001407943.1, NM_001407944.1, NM_001407945.1 and 21 more transcripts); and 68 more; short protein forms Q1537R, Q433R, Q1490R, Q1558R, Q1368R, Q1424R, Q1426R, Q1448R.
Identifiers: ClinVar variation 419383 (VCV000419383.21), dbSNP rs70953659, ClinGen allele CA10592292.

ClinVar aggregate classification (germline): Conflicting classifications of pathogenicity. Review status: criteria provided, conflicting classifications (1 of 4 stars). 5 submissions from 5 submitters: Uncertain significance (4); Likely benign (1). Last evaluated 2026-01-26.

Conditions:
Hereditary cancer-predisposing syndrome. Also called: Hereditary neoplastic syndrome; Tumor predisposition; Neoplastic Syndromes, Hereditary; Hereditary Cancer Syndrome. Identifiers: Orphanet 140162, MedGen C0027672, MeSH D009386, MONDO:0015356.
Hereditary breast ovarian cancer syndrome. Also called: Hereditary breast and ovarian cancer; Hereditary breast and/or ovarian cancer syndrome; Hereditary breast and ovarian cancer syndrome; Hereditary breast and ovarian cancer syndrome (HBOC); Breast and ovarian cancer; BRCA1- and BRCA2-Associated Hereditary Breast and Ovarian Cancer. Identifiers: Orphanet 145, MedGen C0677776, MeSH D061325, MONDO:0003582. Disease mechanism: loss of function.

Allele frequency attached by ClinVar (database versions not stated): TOPMed 0.00001.

Submissions (5):

Labcorp Genetics (formerly Invitae), Labcorp
Classification: Uncertain significance for Hereditary breast ovarian cancer syndrome. Last evaluated: 2026-01-26. Review status: criteria provided, single submitter. Criteria: Invitae Variant Classification Sherloc (09022015). Collection method: clinical testing. Allele origin: germline.
Comment: This sequence change replaces glutamine, which is neutral and polar, with arginine, which is basic and polar, at codon 1537 of the BRCA1 protein (p.Gln1537Arg). This variant is not present in population databases (gnomAD no frequency). This variant has not been reported in the literature in individuals affected with BRCA1-related conditions. ClinVar contains an entry for this variant (Variation ID: 419383). Invitae Evidence Modeling of protein sequence and biophysical properties (such as structural, functional, and spatial information, amino acid conservation, physicochemical variation, residue mobility, and thermodynamic stability) indicates that this missense variant is not expected to disrupt BRCA1 protein function with a negative predictive value of 95%. In summary, the available evidence is currently insufficient to determine the role of this variant in disease. Therefore, it has been classified as a Variant of Uncertain Significance.

Ambry Genetics
Classification: Uncertain significance for Hereditary cancer-predisposing syndrome. Last evaluated: 2025-03-11. Review status: criteria provided, single submitter. Criteria: Ambry Variant Classification Scheme 2023. Collection method: clinical testing. Allele origin: germline.
Comment: The p.Q1537R variant (also known as c.4610A>G), located in coding exon 13 of the BRCA1 gene, results from an A to G substitution at nucleotide position 4610. The glutamine at codon 1537 is replaced by arginine, an amino acid with highly similar properties. This amino acid position is poorly conserved in available vertebrate species. In addition, the in silico prediction for this alteration is inconclusive. Based on the available evidence, the clinical significance of this variant remains unclear.

Quest Diagnostics Nichols Institute San Juan Capistrano
Classification: Uncertain significance. Last evaluated: 2016-11-17. Review status: criteria provided, single submitter. Criteria: Quest Diagnostics criteria. Collection method: clinical testing. Allele origin: germline.

Color Diagnostics, LLC DBA Color Health
Classification: Likely benign for Hereditary cancer-predisposing syndrome. Last evaluated: 2016-08-01. Review status: criteria provided, single submitter. Criteria: ACMG Guidelines, 2015. Collection method: clinical testing. Allele origin: germline.

GeneDx
Classification: Uncertain significance. Last evaluated: 2015-07-02. Review status: criteria provided, single submitter. Criteria: GeneDx Variant Classification (06012015). Collection method: clinical testing. Allele origin: germline. Affected: yes.
Comment: This variant is denoted BRCA1 c.4610A>G at the cDNA level, p.Gln1537Arg (Q1537R) at the protein level, and results in the change of a Glutamine to an Arginine (CAA>CGA). Using alternate nomenclature, this variant would be defined as BRCA1 4729A>G. This variant has not, to our knowledge, been published in the literature as pathogenic or benign. BRCA1 Gln1537Arg was not observed in approximately 6,500 individuals of European and African American ancestry in the NHLBI Exome Sequencing Project, indicating it is not a common benign variant in these populations. Since Glutamine and Arginine differ in some properties, this is considered a semi-conservative amino acid substitution. BRCA1 Gln1537Arg occurs at a position that is not conserved and is not located in a known functional domain (UniProt). In silico analyses are inconsistent regarding the effect this variant may have on protein structure and function. Based on currently available information, it is unclear whether BRCA1 Gln1537Arg is pathogenic or benign. We consider it to be a variant of uncertain significance.